The following is an entry in ClinVar:

ClinVar aggregate classification (germline): Uncertain significance (1 of 4 stars; one submission).

Conditions:
TMEM67-related disorder. Also called: TMEM67-related condition; TMEM67-related disorders. Identifiers: MedGen CN239423.

gnomAD v4.1: 2 of 1,605,104 alleles (0.00012%); highest among the groups gnomAD compares: Non-Finnish European, 0.00017%; no homozygotes.

Submission:

PreventionGenetics, part of Exact Sciences
Classification: Uncertain significance for TMEM67-related condition. Last evaluated: 2025-09-30. Review status: criteria provided, single submitter. Criteria: ACMG Guidelines, 2015. Collection method: clinical testing. Allele origin: germline.
Comment: The TMEM67 c.2448G>T variant is predicted to result in the amino acid substitution p.Leu816Phe. To our knowledge, this variant has not been reported in the literature or in a large population database (gnomAD), indicating this variant is rare. At this time, the clinical significance of this variant is uncertain due to the absence of conclusive functional and genetic evidence.

NM_153704.6(TMEM67):c.2448G>T (p.Leu816Phe)

Gene: TMEM67 (transmembrane protein 67; plus strand). Cytogenetic location: 8q22.1.
Variant type: single nucleotide variant.
Coding change: c.2448G>T on transcript NM_153704.6 (MANE Select); coding-DNA position 2448, G replaced by T.
Protein change: p.Leu816Phe; replaces leucine 816 with phenylalanine.
Molecular consequence: missense variant. On other transcripts: non-coding transcript variant (1).
Genome position (GRCh38, 1-based): chr8:93,808,848, G>T. VCF-style: chr8-93808848-G-T. GRCh37 (hg19) VCF-style: chr8-94821076-G-T.
Other names: c.2205G>T, p.Leu735Phe (NM_001142301.1); short protein forms L735F, L816F.
Identifiers: ClinVar variation 4993518 (VCV004993518.1).